The following is an entry in ClinVar:

ClinVar aggregate classification (germline): Uncertain significance (1 of 4 stars; one submission).

Conditions:
46,XY sex reversal 9 (SRXY9). Also called: 46,XY SEX REVERSAL, ZFPM2-RELATED. Identifiers: Orphanet 251510, MedGen C4015129, MONDO:0014480, OMIM 616067.

Allele frequency attached by ClinVar (database versions not stated): ExAC 0.00002; gnomAD exomes 0.00002 and 0.00003; TOPMed 0.00002.
gnomAD v4.1: 10 of 1,613,958 alleles (0.00062%); highest among the groups gnomAD compares: Admixed American, 0.017%; no homozygotes.

Submission:

Labcorp Genetics (formerly Invitae), Labcorp
Classification: Uncertain significance for 46,XY sex reversal 9. Last evaluated: 2026-01-05. Review status: criteria provided, single submitter. Criteria: Invitae Variant Classification Sherloc (09022015). Collection method: clinical testing. Allele origin: germline.
Comment: This sequence change replaces lysine, which is basic and polar, with methionine, which is neutral and non-polar, at codon 425 of the ZFPM2 protein (p.Lys425Met). This variant is present in population databases (rs771923819, gnomAD 0.02%). This variant has not been reported in the literature in individuals affected with ZFPM2-related conditions. ClinVar contains an entry for this variant (Variation ID: 644422). An algorithm developed to predict the effect of missense changes on protein structure and function (PolyPhen-2) suggests that this variant is likely to be disruptive. In summary, the available evidence is currently insufficient to determine the role of this variant in disease. Therefore, it has been classified as a Variant of Uncertain Significance.

NM_012082.4(ZFPM2):c.1274A>T (p.Lys425Met)

Genes: ZFPM2-AS1 (ZFPM2 antisense RNA 1; minus strand), ZFPM2 (zinc finger protein, FOG family member 2; plus strand). Cytogenetic location: 8q23.1.
Variant type: single nucleotide variant.
Coding change: c.1274A>T on transcript NM_012082.4 (MANE Select); coding-DNA position 1274, A replaced by T.
Protein change: p.Lys425Met; replaces lysine 425 with methionine.
Molecular consequence: missense variant.
Genome position (GRCh38, 1-based): chr8:105,801,356, A>T. VCF-style: chr8-105801356-A-T. GRCh37 (hg19) VCF-style: chr8-106813584-A-T.
Other names: c.1115A>T, p.Lys372Met (NM_001362836.2); c.878A>T, p.Lys293Met (NM_001362837.2); short protein forms K293M, K372M, K425M.
Identifiers: ClinVar variation 644422 (VCV000644422.8), dbSNP rs771923819, ClinGen allele CA4839731.